The following is an entry in ClinVar:

NM_000081.4(LYST):c.*1295T>C

Gene: LYST (lysosomal trafficking regulator; minus strand). Cytogenetic location: 1q42.3.
Variant type: single nucleotide variant.
Coding change: c.*1295T>C on transcript NM_000081.4 (MANE Select); 1295 bases downstream of the stop codon, T replaced by C.
Molecular consequence: 3 prime UTR variant.
Genome position (GRCh38, 1-based): chr1:235,661,645, A>G on the plus strand (T>C on the coding strand, the complement: LYST is on the minus strand). VCF-style: chr1-235661645-A-G. GRCh37 (hg19) VCF-style: chr1-235824945-A-G.
Other names: c.*1295T>C (NM_001301365.1).
Identifiers: ClinVar variation 296325 (VCV000296325.29), dbSNP rs77395892, ClinGen allele CA10610397.
Genomic context (GRCh38, chr1:235,661,645, plus strand): 5'-TTTGGAATTATATTTTATATGGTTTTTAAGCAGAATGTTTTAGAAAGTCTGGAAGTTACA[A>G]AAGTAGTACTGTAAACACCATATGAATTAAATTTCCATAACAAATGCACAAGTTATTCTT-3'

ClinVar aggregate classification (germline): Likely benign (1 of 4 stars; one submission).

Allele frequency attached by ClinVar (database versions not stated): 1000 Genomes Project 30x 0.00265; 1000 Genomes Project 0.00280; TOPMed 0.00483; gnomAD 0.00513.

Submission:

CeGaT Center for Human Genetics Tuebingen
Classification: Likely benign. Last evaluated: 2022-12-01. Review status: criteria provided, single submitter. Criteria: CeGaT Center For Human Genetics Tuebingen Variant Classification Criteria Version 2. Collection method: clinical testing. Allele origin: germline. Affected: yes. Observed: 1 variant allele.
Comment: LYST: BS2